The following is an entry in ClinVar:

NM_000138.5(FBN1):c.7545dup (p.Thr2516fs)

Gene: FBN1 (fibrillin 1; minus strand). Cytogenetic location: 15q21.1.
Variant type: Duplication.
Coding change: c.7545dup on transcript NM_000138.5 (MANE Select); coding-DNA position 7545, one base duplicated (T; older notation c.7545dupT).
Protein change: p.Thr2516fs; shifts the reading frame from threonine 2516.
Molecular consequence: frameshift variant.
Genome position (GRCh38, 1-based): chr15:48,421,977, A duplicated on the plus strand (T on the coding strand, the reverse complement: FBN1 is on the minus strand); the first of 3 consecutive A bases (chr15:48,421,977-48,421,979); duplicating any one gives the same sequence. VCF-style (leftmost placement, unchanged base first): chr15-48421976-T-TA. GRCh37 (hg19) VCF-style: chr15-48714173-T-TA.
Other names: c.7545dupT (NM_000138.4); c.7545dup, p.Thr2516fs (NM_001406716.1); short protein forms T2516fs.
Identifiers: ClinVar variation 2453679 (VCV002453679.2), dbSNP rs2505399442, ClinGen allele CA2580089582.

ClinVar aggregate classification (germline): Pathogenic (1 of 4 stars; one submission).

Conditions:
Familial thoracic aortic aneurysm and aortic dissection (TAAD). Also called: Thoracic aortic aneurysms and dissections. Identifiers: Orphanet 91387, MedGen C4707243, MONDO:0019625.

Submission:

Ambry Genetics
Classification: Pathogenic for Familial thoracic aortic aneurysm and aortic dissection. Last evaluated: 2022-12-12. Review status: criteria provided, single submitter. Criteria: Ambry Variant Classification Scheme 2023. Collection method: clinical testing. Allele origin: germline.
Comment: The c.7545dupT pathogenic mutation, located in coding exon 60 of the FBN1 gene, results from a duplication of T at nucleotide position 7545, causing a translational frameshift with a predicted alternate stop codon (p.T2516Yfs*9). This alteration is expected to result in loss of function by premature protein truncation or nonsense-mediated mRNA decay. As such, this alteration is interpreted as a disease-causing mutation.